The following is an entry in ClinVar:

NM_015047.3(EMC1):c.2632C>A (p.Leu878Met)

Genes: EMC1 (ER membrane protein complex subunit 1; minus strand), EMC1-AS1 (EMC1 antisense RNA 1; plus strand). Cytogenetic location: 1p36.13.
Variant type: single nucleotide variant.
Coding change: c.2632C>A on transcript NM_015047.3 (MANE Select); coding-DNA position 2632, C replaced by A.
Protein change: p.Leu878Met; replaces leucine 878 with methionine.
Molecular consequence: missense variant.
Genome position (GRCh38, 1-based): chr1:19,220,804, G>T on the plus strand (C>A on the coding strand, the complement: EMC1 is on the minus strand). VCF-style: chr1-19220804-G-T. GRCh37 (hg19) VCF-style: chr1-19547298-G-T.
Other names: c.2629C>A, p.Leu877Met (NM_001271427.2, NM_001271428.2); c.2566C>A, p.Leu856Met (NM_001271429.2); c.2641C>A, p.Leu881Met (NM_001375820.1); c.2638C>A, p.Leu880Met (NM_001375821.1); short protein forms L877M, L880M, L856M, L878M, L881M.
Identifiers: ClinVar variation 2791050 (VCV002791050.3), dbSNP rs2536649320, ClinGen allele CA338752084.

ClinVar aggregate classification (germline): Uncertain significance (1 of 4 stars; one submission).

Submission:

Labcorp Genetics (formerly Invitae), Labcorp
Classification: Uncertain significance. Last evaluated: 2023-08-31. Review status: criteria provided, single submitter. Criteria: Invitae Variant Classification Sherloc (09022015). Collection method: clinical testing. Allele origin: germline.
Comment: In summary, the available evidence is currently insufficient to determine the role of this variant in disease. Therefore, it has been classified as a Variant of Uncertain Significance. Advanced modeling of protein sequence and biophysical properties (such as structural, functional, and spatial information, amino acid conservation, physicochemical variation, residue mobility, and thermodynamic stability) performed at Invitae indicates that this missense variant is expected to disrupt EMC1 protein function. This variant has not been reported in the literature in individuals affected with EMC1-related conditions. This variant is not present in population databases (gnomAD no frequency). This sequence change replaces leucine, which is neutral and non-polar, with methionine, which is neutral and non-polar, at codon 878 of the EMC1 protein (p.Leu878Met).